The following is an entry in ClinVar:

NM_012470.4(TNPO3):c.2430+199dup

Gene: TNPO3 (transportin 3; minus strand). Cytogenetic location: 7q32.1.
Variant type: Duplication.
Coding change: c.2430+199dup on transcript NM_012470.4 (MANE Select); 199 bases into the intron after coding-DNA position 2430, one base duplicated (A; older notation c.2430+199dupA).
Molecular consequence: intron variant.
Genome position (GRCh38, 1-based): chr7:128,972,224, T duplicated on the plus strand (A on the coding strand, the reverse complement: TNPO3 is on the minus strand); the first of 4 consecutive T bases (chr7:128,972,224-128,972,227); duplicating any one gives the same sequence. VCF-style (leftmost placement, unchanged base first): chr7-128972223-G-GT. GRCh37 (hg19) VCF-style: chr7-128612277-G-GT.
Other names: c.2286+199dup (NM_001382221.1); c.2283+199dup (NM_001382222.1); c.2322+199dup (NM_001382219.1); c.2238+199dup (NM_001382223.1, NM_001191028.3); c.2289+199dup (NM_001382220.1); c.2430+199dup (NM_001382218.1); c.2532+199dup (NM_001382216.1); c.2511+199dup (NM_001382217.1).
Identifiers: ClinVar variation 672850 (VCV000672850.1), dbSNP rs566362874, ClinGen allele CA166244259.
Genomic context (GRCh38, chr7:128,972,223, plus strand): 5'-TAACTCTTTAAACTTGTTTCTCTCTTCAACTAGACACCAAATGATTTGGGAGCATGAACA[G>GT]TTTTAGACTGCTTTATATAGCCTAAAGCACCCAGCACAAGTGTCTTAGTTGATATTTTGG-3'

ClinVar aggregate classification (germline): Likely benign (1 of 4 stars; one submission).

Submission:

GeneDx
Classification: Likely benign. Last evaluated: 2018-06-16. Review status: criteria provided, single submitter. Criteria: GeneDx Variant Classification (06012015). Collection method: clinical testing. Allele origin: germline. Affected: yes.
Comment: This variant is considered likely benign or benign based on one or more of the following criteria: it is a conservative change, it occurs at a poorly conserved position in the protein, it is predicted to be benign by multiple in silico algorithms, and/or has population frequency not consistent with disease.